The following is an entry in ClinVar:

ClinVar aggregate classification (germline): Likely pathogenic (1 of 4 stars; one submission).

Conditions:
Nephrotic syndrome. Identifiers: MedGen C0027726, MONDO:0005377, HP:0000100.

Submission:

Precision Medicine Center, Zhengzhou University
Classification: Likely pathogenic for Nephrotic syndrome. Review status: criteria provided, single submitter. Criteria: ACMG Guidelines, 2015. Collection method: research. Allele origin: germline. Affected: yes.
Comment: PM1:Located in well-established functional domain PM2:not found in gnomAD PP1:Cosegregation with disease in multiple affected family members PP3:Multiple lines of computational evidence support a deleterious effect on the gene or gene product PP4:Patient's phenotype is highly specific for a disease PP5:Reputable source recently reports variant as pathogenic

NM_005560.6(LAMA5):c.9700_9728del (p.Leu3234fs)

Gene: LAMA5 (laminin subunit alpha 5; minus strand). Cytogenetic location: 20q13.33.
Variant type: Deletion.
Coding change: c.9700_9728del on transcript NM_005560.6 (MANE Select); coding-DNA positions 9700 to 9728, 29 bases deleted (CTCCAGCCGCAGCCTGAGGGGCCCCCGAG).
Protein change: p.Leu3234fs; shifts the reading frame from leucine 3234.
Molecular consequence: frameshift variant.
Genome position (GRCh38, 1-based): chr20:62,311,692-62,311,720, CTCGGGGGCCCCTCAGGCTGCGGCTGGAG deleted on the plus strand (CTCCAGCCGCAGCCTGAGGGGCCCCCGAG on the coding strand, the reverse complement: LAMA5 is on the minus strand); deleting any 29 consecutive bases within chr20:62,311,692-62,311,728 gives the same sequence; the c. name uses the placement nearest the transcript's 3' end. VCF-style (leftmost placement, unchanged base first): chr20-62311691-CCTCGGGGGCCCCTCAGGCTGCGGCTGGAG-C. GRCh37 (hg19) VCF-style: chr20-60886747-CCTCGGGGGCCCCTCAGGCTGCGGCTGGAG-C.
Other names: short protein forms L3234fs.
Identifiers: ClinVar variation 1077028 (VCV001077028.1), dbSNP rs2146037598, ClinGen allele CA2499225792.